The following is an entry in ClinVar:

ClinVar aggregate classification (germline): Likely benign. Review status: criteria provided, multiple submitters, no conflicts (2 of 4 stars). 2 submissions from 2 submitters: Likely benign (2). Last evaluated 2021-10-15.

Conditions:
Neurodevelopmental disorder with or without hyperkinetic movements and seizures, autosomal dominant. Also called: Intellectual disability, autosomal dominant 8. Identifiers: MedGen C3280282, MONDO:0013655, OMIM 614254.

Allele frequency attached by ClinVar (database versions not stated): ExAC 0.00003; gnomAD 0.00003; TOPMed 0.00003.
gnomAD v4.1: 12 of 1,614,096 alleles (0.00074%); highest among the groups gnomAD compares: East Asian, 0.025%; no homozygotes.

Submissions (2):

Labcorp Genetics (formerly Invitae), Labcorp
Classification: Likely benign for Neurodevelopmental disorder with or without hyperkinetic movements and seizures, autosomal dominant. Last evaluated: 2021-10-15. Review status: criteria provided, single submitter. Criteria: Invitae Variant Classification Sherloc (09022015). Collection method: clinical testing. Allele origin: germline.

GeneDx
Classification: Likely benign. Last evaluated: 2016-08-24. Review status: criteria provided, single submitter. Criteria: GeneDx Variant Classification (06012015). Collection method: clinical testing. Allele origin: germline. Affected: yes.
Comment: This variant is considered likely benign or benign based on one or more of the following criteria: it is a conservative change, it occurs at a poorly conserved position in the protein, it is predicted to be benign by multiple in silico algorithms, and/or has population frequency not consistent with disease.

NM_007327.4(GRIN1):c.351C>A (p.Pro117=)

Gene: GRIN1 (glutamate ionotropic receptor NMDA type subunit 1; plus strand). Cytogenetic location: 9q34.3.
Variant type: single nucleotide variant.
Coding change: c.351C>A on transcript NM_007327.4 (MANE Select); coding-DNA position 351, C replaced by A.
Protein change: p.Pro117=; no amino-acid change (proline 117 retained).
Molecular consequence: synonymous variant.
Genome position (GRCh38, 1-based): chr9:137,142,105, C>A. VCF-style: chr9-137142105-C-A. GRCh37 (hg19) VCF-style: chr9-140036557-C-A.
Other names: c.351C>A, p.Pro117= (NM_000832.7, NM_001185090.2, NM_001185091.2 and 1 more transcripts).
Identifiers: ClinVar variation 388821 (VCV000388821.11), dbSNP rs772616726, ClinGen allele CA5360617.